The following is an entry in ClinVar:

ClinVar aggregate classification (germline): Uncertain significance (1 of 4 stars; one submission).

Conditions:
Combined immunodeficiency due to DOCK8 deficiency (HIES2). Also called: DOCK8 Deficiency; HIES autosomal recessive; Hyper-IgE recurrent infection syndrome, autosomal recessive; HYPER-IgE RECURRENT INFECTION SYNDROME 2, AUTOSOMAL RECESSIVE; HYPER-IgE SYNDROME 2, AUTOSOMAL RECESSIVE, WITH RECURRENT INFECTIONS. Identifiers: Orphanet 217390, MedGen C4722305, MONDO:0009478, OMIM 243700.

Allele frequency attached by ClinVar (database versions not stated): gnomAD exomes below 0.00001; TOPMed below 0.00001.
gnomAD v4.1: 2 of 1,614,098 alleles (0.00012%); highest among the groups gnomAD compares: Admixed American, 0.0017%; no homozygotes.

Submission:

Labcorp Genetics (formerly Invitae), Labcorp
Classification: Uncertain significance for Combined immunodeficiency due to DOCK8 deficiency. Last evaluated: 2024-10-22. Review status: criteria provided, single submitter. Criteria: Invitae Variant Classification Sherloc (09022015). Collection method: clinical testing. Allele origin: germline.
Comment: This sequence change replaces valine, which is neutral and non-polar, with methionine, which is neutral and non-polar, at codon 1207 of the DOCK8 protein (p.Val1207Met). This variant is present in population databases (no rsID available, gnomAD 0.003%). This variant has not been reported in the literature in individuals affected with DOCK8-related conditions. ClinVar contains an entry for this variant (Variation ID: 1052964). Invitae Evidence Modeling of protein sequence and biophysical properties (such as structural, functional, and spatial information, amino acid conservation, physicochemical variation, residue mobility, and thermodynamic stability) indicates that this missense variant is not expected to disrupt DOCK8 protein function with a negative predictive value of 80%. In summary, the available evidence is currently insufficient to determine the role of this variant in disease. Therefore, it has been classified as a Variant of Uncertain Significance.

NM_203447.4(DOCK8):c.3619G>A (p.Val1207Met)

Gene: DOCK8 (dedicator of cytokinesis 8; plus strand). Cytogenetic location: 9p24.3.
Variant type: single nucleotide variant.
Coding change: c.3619G>A on transcript NM_203447.4 (MANE Select); coding-DNA position 3619, G replaced by A.
Protein change: p.Val1207Met; replaces valine 1207 with methionine.
Molecular consequence: missense variant.
Genome position (GRCh38, 1-based): chr9:414,870, G>A. VCF-style: chr9-414870-G-A. GRCh37 (hg19) VCF-style: chr9-414870-G-A.
Other names: c.3319G>A, p.Val1107Met (NM_001190458.2); c.3415G>A, p.Val1139Met (NM_001193536.2); short protein forms V1107M, V1139M, V1207M.
Identifiers: ClinVar variation 1052964 (VCV001052964.14), dbSNP rs1193793593, ClinGen allele CA372760663.